The following is an entry in ClinVar:

ClinVar aggregate classification (germline): Pathogenic. Review status: criteria provided, multiple submitters, no conflicts (2 of 4 stars). 2 submissions from 2 submitters: Pathogenic (2). Last evaluated 2025-07-21.

Conditions:
IKBKG-related disorder. Also called: IKBKG-related condition.

Allele frequency attached by ClinVar (database versions not stated): 1000 Genomes Project 30x 0.00083.

Submissions (2):

GeneDx
Classification: Pathogenic. Last evaluated: 2025-07-21. Review status: criteria provided, single submitter. Criteria: GeneDx Variant Classification Process June 2021. Collection method: clinical testing. Allele origin: germline. Affected: yes.
Comment: Canonical splice site variant predicted to result in an in-frame loss of the adjacent exon in a gene for which loss of function is a known mechanism of disease; Has not been previously published as pathogenic or benign to our knowledge

3billion
Classification: Pathogenic for IKBKG-related disorder. Last evaluated: 2024-07-10. Review status: criteria provided, single submitter. Criteria: ACMG Guidelines, 2015. Collection method: clinical testing. Allele origin: germline. Affected: yes.
Comment: The variant is observed at an extremely low frequency in the gnomAD v4.0.0 dataset (total allele frequency: 0.001%). Predicted Consequence/Location: Canonical splice site: predicted to alter splicing and result in a loss or disruption of normal protein function. Multiple pathogenic loss-of-function variants are reported downstream of the variant. In silico tools predict the variant to alter splicing and produce an abnormal transcript [SpliceAI: 1.00 (spliceogenicity >=0.2, non-spliceogenicity <0.1)]. The variant has been reported to be associated with IKBKG related disorder (ClinVar ID: VCV001684047). Therefore, this variant is classified as Pathogenic according to the recommendation of ACMG/AMP guideline.

NM_001099857.5(IKBKG):c.519-19_519-2del

Gene: IKBKG (inhibitor of nuclear factor kappa B kinase regulatory subunit gamma; plus strand). Cytogenetic location: Xq28.
Variant type: Deletion.
Coding change: c.519-19_519-2del on transcript NM_001099857.5 (MANE Select); 19 bases into the intron before coding-DNA position 519 through the canonical splice acceptor site of the intron before coding-DNA position 519, 18 bases deleted (TGCTCTTTCCCCGTGCCA).
Molecular consequence: splice acceptor variant. On other transcripts: intron variant (3).
Genome position (GRCh38, 1-based): chrX:154,560,388-154,560,405, TGCTCTTTCCCCGTGCCA deleted. VCF-style (leftmost placement, unchanged base first): chrX-154560387-CTGCTCTTTCCCCGTGCCA-C. GRCh37 (hg19) VCF-style: chrX-153788602-CTGCTCTTTCCCCGTGCCA-C.
Other names: c.519-19_519-2del (NM_001377312.1, NM_001321396.3, NM_003639.4); c.516-19_516-2del (NM_001377313.1, NM_001321397.3); c.723-19_723-2del (NM_001099856.6); c.519-1300_519-1283del (NM_001145255.4); c.516-1300_516-1283del (NM_001377314.1); c.400-2422_400-2405del (NM_001377315.1).
Identifiers: ClinVar variation 1684047 (VCV001684047.4), dbSNP rs2071120876, ClinGen allele CA2466733502.
Genomic context (GRCh38, chrX:154,560,387, plus strand): 5'-CACCCCCCGCCCACGCCCTGCGCATAGCCCCTGCCGTCCCCCCGTTCGTCCTCCCTGAGT[CTGCTCTTTCCCCGTGCCA>C]GGGCCCGGGCGGCCAGCGAGCAGGCGCGGCAGCTGGAGAGTGAGCGCGAGGCGCTGCAGC-3'